The following is an entry in ClinVar:

NM_001035.3(RYR2):c.1738G>T (p.Val580Leu)

Gene: RYR2 (ryanodine receptor 2; plus strand). Cytogenetic location: 1q43.
Variant type: single nucleotide variant.
Coding change: c.1738G>T on transcript NM_001035.3 (MANE Select); coding-DNA position 1738, G replaced by T.
Protein change: p.Val580Leu; replaces valine 580 with leucine.
Molecular consequence: missense variant.
Genome position (GRCh38, 1-based): chr1:237,491,835, G>T. VCF-style: chr1-237491835-G-T. GRCh37 (hg19) VCF-style: chr1-237655135-G-T.
Other names: short protein forms V580L.
Identifiers: ClinVar variation 1171183 (VCV001171183.6), dbSNP rs1572569244, ClinGen allele CA345387900.

ClinVar aggregate classification (germline): Uncertain significance. Review status: criteria provided, multiple submitters, no conflicts (2 of 4 stars). 2 submissions from 2 submitters: Uncertain significance (2). Last evaluated 2024-09-17.

Conditions:
Cardiomyopathy (CMYO). Also called: Cardiomyopathies. Identifiers: Orphanet 167848, MedGen C0878544, MONDO:0004994, HP:0001638. Inheritance: Various modes of inheritance.
Catecholaminergic polymorphic ventricular tachycardia 1. Also called: VENTRICULAR TACHYCARDIA, STRESS-INDUCED POLYMORPHIC 1; VENTRICULAR TACHYCARDIA, CATECHOLAMINERGIC POLYMORPHIC, 1, WITH OR WITHOUT ATRIAL DYSFUNCTION AND/OR DILATED CARDIOMYOPATHY; RYR2-Related Catecholaminergic Polymorphic Ventricular Tachycardia. Identifiers: Orphanet 3286, MedGen C1631597, MONDO:0011484, OMIM 604772.

gnomAD v4.1: 4 of 1,480,224 alleles (0.00027%); highest among the groups gnomAD compares: Non-Finnish European, 0.00037%; no homozygotes.

Submissions (2):

Labcorp Genetics (formerly Invitae), Labcorp
Classification: Uncertain significance for Catecholaminergic polymorphic ventricular tachycardia 1. Last evaluated: 2024-09-17. Review status: criteria provided, single submitter. Criteria: Invitae Variant Classification Sherloc (09022015). Collection method: clinical testing. Allele origin: germline.
Comment: This sequence change replaces valine, which is neutral and non-polar, with leucine, which is neutral and non-polar, at codon 580 of the RYR2 protein (p.Val580Leu). This variant is not present in population databases (gnomAD no frequency). This variant has not been reported in the literature in individuals affected with RYR2-related conditions. ClinVar contains an entry for this variant (Variation ID: 1171183). Invitae Evidence Modeling of protein sequence and biophysical properties (such as structural, functional, and spatial information, amino acid conservation, physicochemical variation, residue mobility, and thermodynamic stability) indicates that this missense variant is not expected to disrupt RYR2 protein function with a negative predictive value of 95%. In summary, the available evidence is currently insufficient to determine the role of this variant in disease. Therefore, it has been classified as a Variant of Uncertain Significance.

Color Diagnostics, LLC DBA Color Health
Classification: Uncertain significance for Cardiomyopathy. Last evaluated: 2024-03-06. Review status: criteria provided, single submitter. Criteria: ACMG Guidelines, 2015. Collection method: clinical testing. Allele origin: germline.
Comment: This missense variant replaces valine with leucine at codon 580 of the RYR2 protein. Computational prediction is inconclusive regarding the impact of this variant on protein structure and function (internally defined REVEL score threshold 0.5 < inconclusive < 0.7, PMID: 27666373). To our knowledge, functional studies have not been reported for this variant. This variant has not been reported in individuals affected with cardiovascular disorders in the literature. This variant has not been identified in the general population by the Genome Aggregation Database (gnomAD). The available evidence is insufficient to determine the role of this variant in disease conclusively. Therefore, this variant is classified as a Variant of Uncertain Significance.